The following is an entry in ClinVar:

NM_000264.5(PTCH1):c.2220T>A (p.Tyr740Ter)

Genes: PTCH1 (patched 1; minus strand), LOC100507346 (uncharacterized LOC100507346; plus strand). Cytogenetic location: 9q22.32.
Variant type: single nucleotide variant.
Coding change: c.2220T>A on transcript NM_000264.5 (MANE Select); coding-DNA position 2220, T replaced by A.
Protein change: p.Tyr740Ter; replaces tyrosine 740 with a stop codon.
Molecular consequence: nonsense. On other transcripts: non-coding transcript variant (2).
Genome position (GRCh38, 1-based): chr9:95,468,781, A>T on the plus strand (T>A on the coding strand, the complement: PTCH1 is on the minus strand). VCF-style: chr9-95468781-A-T. GRCh37 (hg19) VCF-style: chr9-98231063-A-T.
Other names: c.2022T>A, p.Tyr674Ter (NM_001083602.3); c.2217T>A, p.Tyr739Ter (NM_001083603.3); c.1767T>A, p.Tyr589Ter (NM_001083604.3, NM_001083605.3, NM_001083606.3 and 1 more transcripts); c.2064T>A, p.Tyr688Ter (NM_001354918.2); short protein forms Y674*, Y688*, Y589*, Y739*, Y740*.
Identifiers: ClinVar variation 2061286 (VCV002061286.4), dbSNP rs1343177940, ClinGen allele CA374115268.

ClinVar aggregate classification (germline): Pathogenic (1 of 4 stars; one submission).

Conditions:
Gorlin syndrome. Also called: Nevoid Basal Cell Carcinoma Syndrome; Basal cell nevus syndrome. Identifiers: Orphanet 377, MedGen C0004779, MONDO:0007187.

Submission:

Labcorp Genetics (formerly Invitae), Labcorp
Classification: Pathogenic for Gorlin syndrome. Last evaluated: 2022-02-19. Review status: criteria provided, single submitter. Criteria: Invitae Variant Classification Sherloc (09022015). Collection method: clinical testing. Allele origin: germline.
Comment: For these reasons, this variant has been classified as Pathogenic. This variant has not been reported in the literature in individuals affected with PTCH1-related conditions. This variant is not present in population databases (gnomAD no frequency). This sequence change creates a premature translational stop signal (p.Tyr740*) in the PTCH1 gene. It is expected to result in an absent or disrupted protein product. Loss-of-function variants in PTCH1 are known to be pathogenic (PMID: 16301862, 16419085).

Literature cited by the submitters: PubMed 16301862; PubMed 16419085.